The following is an entry in ClinVar:

ClinVar aggregate classification (germline): Likely benign. Review status: criteria provided, multiple submitters, no conflicts (2 of 4 stars). 2 submissions from 2 submitters: Likely benign (2). Last evaluated 2026-04-13.

Conditions:
DICER1-related tumor predisposition. Also called: DICER1-related pleuropulmonary blastoma cancer predisposition syndrome; DICER1 syndrome. Identifiers: Orphanet 284343, MedGen C3839822, MONDO:0100216.

Allele frequency attached by ClinVar (database versions not stated): TOPMed below 0.00001.
gnomAD v4.1: 7 of 1,603,452 alleles (0.00044%); highest among the groups gnomAD compares: East Asian, 0.0022%; no homozygotes.

Submissions (2):

Myriad Genetics, Inc.
Classification: Likely benign for DICER1-related tumor predisposition. Last evaluated: 2026-04-13. Review status: criteria provided, single submitter. Criteria: Myriad Autosomal Dominant, Autosomal Recessive and X-Linked Classification Criteria (2023). Collection method: clinical testing. Allele origin: unknown.
Comment: This variant is considered likely benign. This variant is intronic and is not expected to impact mRNA splicing.

Labcorp Genetics (formerly Invitae), Labcorp
Classification: Likely benign for DICER1-related tumor predisposition. Last evaluated: 2026-01-27. Review status: criteria provided, single submitter. Criteria: Invitae Variant Classification Sherloc (09022015). Collection method: clinical testing. Allele origin: germline.

NM_177438.3(DICER1):c.2988-15T>C

Gene: DICER1 (dicer 1, ribonuclease III; minus strand). Cytogenetic location: 14q32.13.
Variant type: single nucleotide variant.
Coding change: c.2988-15T>C on transcript NM_177438.3 (MANE Select); 15 bases into the intron before coding-DNA position 2988, T replaced by C.
Molecular consequence: intron variant.
Genome position (GRCh38, 1-based): chr14:95,105,798, A>G on the plus strand (T>C on the coding strand, the complement: DICER1 is on the minus strand). VCF-style: chr14-95105798-A-G. GRCh37 (hg19) VCF-style: chr14-95572135-A-G.
Other names: c.2988-15T>C (NM_001291628.2, NM_030621.4, NM_001271282.3 and 1 more transcripts).
Identifiers: ClinVar variation 1673452 (VCV001673452.10), dbSNP rs755145885, ClinGen allele CA7331134.